The following is an entry in ClinVar:

NM_000548.5(TSC2):c.1120-14G>T

Gene: TSC2 (TSC complex subunit 2; plus strand). Cytogenetic location: 16p13.3.
Variant type: single nucleotide variant.
Coding change: c.1120-14G>T on transcript NM_000548.5 (MANE Select); 14 bases into the intron before coding-DNA position 1120, G replaced by T.
Molecular consequence: intron variant.
Genome position (GRCh38, 1-based): chr16:2,061,857, G>T. VCF-style: chr16-2061857-G-T. GRCh37 (hg19) VCF-style: chr16-2111858-G-T.
Other names: c.-225-14G>T (NM_001406693.1, NM_001406689.1, NM_001406690.1 and 4 more transcripts); c.1210-14G>T (NM_001406667.1, NM_001406668.1); c.520-14G>T (NM_001406680.1, NM_001406683.1, NM_001406687.1 and 6 more transcripts); c.-401-14G>T (NM_001406698.1); c.1120-14G>T (NM_001114382.3, NM_001406663.1, NM_001406664.1 and 6 more transcripts); c.-193-14G>T (NM_001406694.1, NM_001406695.1); c.1108-14G>T (NM_001406671.1, NM_001406673.1); c.658-14G>T (NM_001406681.1); and 4 more.
Identifiers: ClinVar variation 3690033 (VCV003690033.3).

ClinVar aggregate classification (germline): Likely benign. Review status: criteria provided, multiple submitters, no conflicts (2 of 4 stars). 2 submissions from 2 submitters: Likely benign (2). Last evaluated 2026-01-14.

Conditions:
Tuberous sclerosis 2 (TSC2). Identifiers: Orphanet 805, MedGen C1860707, MONDO:0013199, OMIM 613254.

gnomAD v4.1: 1 of 1,613,948 alleles (0.000062%); highest among the groups gnomAD compares: African/African-American, 0.0013%; no homozygotes.

Submissions (2):

Labcorp Genetics (formerly Invitae), Labcorp
Classification: Likely benign for Tuberous sclerosis 2. Last evaluated: 2026-01-14. Review status: criteria provided, single submitter. Criteria: Invitae Variant Classification Sherloc (09022015). Collection method: clinical testing. Allele origin: germline.

Myriad Genetics, Inc.
Classification: Likely benign for Tuberous sclerosis 2. Last evaluated: 2025-05-13. Review status: criteria provided, single submitter. Criteria: Myriad Autosomal Dominant, Autosomal Recessive and X-Linked Classification Criteria (2023). Collection method: clinical testing. Allele origin: unknown.
Comment: This variant is considered likely benign. This variant is intronic and is not expected to impact mRNA splicing.